The following is an entry in ClinVar:

NM_182961.4(SYNE1):c.11086C>G (p.Gln3696Glu)

Gene: SYNE1 (spectrin repeat containing nuclear envelope protein 1; minus strand). Cytogenetic location: 6q25.2.
Variant type: single nucleotide variant.
Coding change: c.11086C>G on transcript NM_182961.4 (MANE Select); coding-DNA position 11086, C replaced by G.
Protein change: p.Gln3696Glu; replaces glutamine 3696 with glutamic acid.
Molecular consequence: missense variant.
Genome position (GRCh38, 1-based): chr6:152,353,430, G>C on the plus strand (C>G on the coding strand, the complement: SYNE1 is on the minus strand). VCF-style: chr6-152353430-G-C. GRCh37 (hg19) VCF-style: chr6-152674565-G-C.
Other names: c.11041C>G, p.Gln3681Glu (NM_033071.5); short protein forms Q3681E, Q3696E.
Identifiers: ClinVar variation 943314 (VCV000943314.7), dbSNP rs377095831, ClinGen allele CA150200159.

ClinVar aggregate classification (germline): Uncertain significance (1 of 4 stars; one submission).

Conditions:
Emery-Dreifuss muscular dystrophy 4, autosomal dominant (EDMD4). Also called: EMERY-DREIFUSS MUSCULAR DYSTROPHY 4 WITH VARIABLE FEATURES. Identifiers: Orphanet 261, MedGen C2751807, MONDO:0013071, OMIM 612998.
Autosomal recessive ataxia, Beauce type. Also called: Spinocerebellar ataxia, autosomal recessive 8; ATAXIA, RECESSIVE, OF BEAUCE; SYNE1-Related Autosomal Recessive Cerebellar Ataxia; SYNE1 Deficiency. Identifiers: Orphanet 88644, MedGen C1853116, MONDO:0012549, OMIM 610743.

Allele frequency attached by ClinVar (database versions not stated): gnomAD exomes below 0.00001 and 0.00001; gnomAD 0.00002; TOPMed 0.00002.
gnomAD v4.1: 17 of 1,614,024 alleles (0.0011%); highest among the groups gnomAD compares: African/African-American, 0.012%; no homozygotes.

Submission:

Labcorp Genetics (formerly Invitae), Labcorp
Classification: Uncertain significance for Emery-Dreifuss muscular dystrophy 4, autosomal dominant; Autosomal recessive ataxia, Beauce type. Last evaluated: 2023-05-23. Review status: criteria provided, single submitter. Criteria: Invitae Variant Classification Sherloc (09022015). Collection method: clinical testing. Allele origin: germline.
Comment: In summary, the available evidence is currently insufficient to determine the role of this variant in disease. Therefore, it has been classified as a Variant of Uncertain Significance. Algorithms developed to predict the effect of sequence changes on RNA splicing suggest that this variant may create or strengthen a splice site. An algorithm developed to predict the effect of missense changes on protein structure and function (PolyPhen-2) suggests that this variant¬† is likely to be tolerated. ClinVar contains an entry for this variant (Variation ID: 943314). This variant has not been reported in the literature in individuals affected with SYNE1-related conditions. This variant is present in population databases (rs377095831, gnomAD 0.003%). This sequence change replaces glutamine, which is neutral and polar, with glutamic acid, which is acidic and polar, at codon 3681 of the SYNE1 protein (p.Gln3681Glu).